The following is an entry in ClinVar:

NM_012144.4(DNAI1):c.302C>T (p.Ala101Val)

Gene: DNAI1 (dynein axonemal intermediate chain 1; plus strand). Cytogenetic location: 9p13.3.
Variant type: single nucleotide variant.
Coding change: c.302C>T on transcript NM_012144.4 (MANE Select); coding-DNA position 302, C replaced by T.
Protein change: p.Ala101Val; replaces alanine 101 with valine.
Molecular consequence: missense variant.
Genome position (GRCh38, 1-based): chr9:34,489,363, C>T. VCF-style: chr9-34489363-C-T. GRCh37 (hg19) VCF-style: chr9-34489361-C-T.
Other names: c.302C>T, p.Ala101Val (NM_001281428.2); short protein forms A101V.
Identifiers: ClinVar variation 1418581 (VCV001418581.8), dbSNP rs1824534743, ClinGen allele CA373244585.

ClinVar aggregate classification (germline): Uncertain significance (1 of 4 stars; one submission).

Conditions:
Primary ciliary dyskinesia. Also called: Ciliary dyskinesia. Identifiers: Orphanet 244, MedGen C0008780, MONDO:0016575, HP:0012265.

Allele frequency attached by ClinVar (database versions not stated): TOPMed below 0.00001.

Submission:

Labcorp Genetics (formerly Invitae), Labcorp
Classification: Uncertain significance for Primary ciliary dyskinesia. Last evaluated: 2022-09-07. Review status: criteria provided, single submitter. Criteria: Invitae Variant Classification Sherloc (09022015). Collection method: clinical testing. Allele origin: germline.
Comment: In summary, the available evidence is currently insufficient to determine the role of this variant in disease. Therefore, it has been classified as a Variant of Uncertain Significance. Algorithms developed to predict the effect of sequence changes on RNA splicing suggest that this variant may create or strengthen a splice site. Algorithms developed to predict the effect of missense changes on protein structure and function (SIFT, PolyPhen-2, Align-GVGD) all suggest that this variant is likely to be tolerated. ClinVar contains an entry for this variant (Variation ID: 1418581). This variant has not been reported in the literature in individuals affected with DNAI1-related conditions. This variant is not present in population databases (gnomAD no frequency). This sequence change replaces alanine, which is neutral and non-polar, with valine, which is neutral and non-polar, at codon 101 of the DNAI1 protein (p.Ala101Val).